The following is an entry in ClinVar:

NM_002361.4(MAG):c.1274G>A (p.Arg425Gln)

Gene: MAG (myelin associated glycoprotein; plus strand). Cytogenetic location: 19q13.12.
Variant type: single nucleotide variant.
Coding change: c.1274G>A on transcript NM_002361.4 (MANE Select); coding-DNA position 1274, G replaced by A.
Protein change: p.Arg425Gln; replaces arginine 425 with glutamine.
Molecular consequence: missense variant.
Genome position (GRCh38, 1-based): chr19:35,309,916, G>A. VCF-style: chr19-35309916-G-A. GRCh37 (hg19) VCF-style: chr19-35800819-G-A.
Other names: c.1199G>A, p.Arg400Gln (NM_001199216.2); c.1274G>A, p.Arg425Gln (NM_080600.3); c.1274G>A (NM_002361.3); short protein forms R425Q, R400Q.
Identifiers: ClinVar variation 445646 (VCV000445646.5), dbSNP rs144213585, ClinGen allele CA9376228.

ClinVar aggregate classification (germline): Conflicting classifications of pathogenicity. Review status: criteria provided, conflicting classifications (1 of 4 stars). 3 submissions from 3 submitters: Uncertain significance (2); Likely benign (1). Last evaluated 2026-07-22.

Conditions:
Inborn genetic diseases. Identifiers: MedGen C0950123, MeSH D030342.
Hereditary spastic paraplegia 75. Also called: Spastic paraplegia 75, autosomal recessive. Identifiers: Orphanet 459056, MedGen C4225250, MONDO:0014729, OMIM 616680.

Allele frequency attached by ClinVar (database versions not stated): gnomAD exomes 0.00006 and 0.00015; ExAC 0.00008; TOPMed 0.00008; gnomAD 0.00011 and 0.00012; ESP Exome Variant Server 0.00015.
gnomAD v4.1: 225 of 1,613,534 alleles (0.014%); highest among the groups gnomAD compares: Non-Finnish European, 0.018%; no homozygotes.

Submissions (3):

Ambry Genetics
Classification: Likely benign for Inborn genetic diseases. Last evaluated: 2026-07-22. Review status: criteria provided, single submitter. Criteria: Ambry Variant Classification Scheme 2023. Collection method: clinical testing. Allele origin: germline.

Labcorp Genetics (formerly Invitae), Labcorp
Classification: Uncertain significance for Hereditary spastic paraplegia 75. Last evaluated: 2022-08-22. Review status: criteria provided, single submitter. Criteria: Invitae Variant Classification Sherloc (09022015). Collection method: clinical testing. Allele origin: germline.
Comment: This sequence change replaces arginine, which is basic and polar, with glutamine, which is neutral and polar, at codon 425 of the MAG protein (p.Arg425Gln). This variant is present in population databases (rs144213585, gnomAD 0.01%). This variant has not been reported in the literature in individuals affected with MAG-related conditions. ClinVar contains an entry for this variant (Variation ID: 445646). Algorithms developed to predict the effect of missense changes on protein structure and function are either unavailable or do not agree on the potential impact of this missense change (SIFT: "Deleterious"; PolyPhen-2: "Possibly Damaging"; Align-GVGD: "Class C0"). In summary, the available evidence is currently insufficient to determine the role of this variant in disease. Therefore, it has been classified as a Variant of Uncertain Significance.

Center for Pediatric Genomic Medicine, Children's Mercy Hospital and Clinics
Classification: Uncertain significance. Last evaluated: 2017-09-05. Review status: criteria provided, single submitter. Criteria: ACMG Guidelines, 2015. Collection method: clinical testing. Allele origin: germline.